The following is an entry in ClinVar:

ClinVar aggregate classification (germline): Conflicting classifications of pathogenicity. Review status: criteria provided, conflicting classifications (1 of 4 stars). 4 submissions from 4 submitters: Uncertain significance (2); Likely benign (1). 1 of the submissions does not count toward it. Last evaluated 2026-01-19.

Conditions:
Usher syndrome type 1 (USH1). Also called: RETINITIS PIGMENTOSA AND CONGENITAL DEAFNESS. Identifiers: Orphanet 231169, Orphanet 886, MedGen C1568247, MONDO:0010168, OMIM 276900.

Allele frequency attached by ClinVar (database versions not stated): gnomAD 0.00003 and 0.00006; TOPMed 0.00004; ExAC 0.00012; 1000 Genomes Project 30x 0.00094; 1000 Genomes Project 0.00100.
gnomAD v4.1: 44 of 1,612,238 alleles (0.0027%); highest among the groups gnomAD compares: East Asian, 0.098%; no homozygotes.

Submissions (4):

Labcorp Genetics (formerly Invitae), Labcorp
Classification: Likely benign. Last evaluated: 2026-01-19. Review status: criteria provided, single submitter. Criteria: Invitae Variant Classification Sherloc (09022015). Collection method: clinical testing. Allele origin: germline.

Blueprint Genetics
Classification: Uncertain significance. Last evaluated: 2024-01-18. Review status: criteria provided, single submitter. Criteria: ACMG Guidelines, 2015. Collection method: clinical testing. Allele origin: germline.

GeneDx
Classification: Uncertain significance. Last evaluated: 2016-09-08. Review status: criteria provided, single submitter. Criteria: GeneDx Variant Classification (06012015). Collection method: clinical testing. Allele origin: germline. Affected: yes.
Comment: The N206T variant in the CDH23 gene has not been reported previously as a pathogenic variant, nor as a benign variant, to our knowledge. The N206T variant was not observed in approximately 6,200 individuals of European and African American ancestry in the NHLBI Exome Sequencing Project, indicating it is not a common benign variant in these populations. The N206T variant is a conservative amino acid substitution, which is not likely to impact secondary protein structure as these residues share similar properties. This substitution occurs at a position that is conserved across species. In silico analysis is inconsistent in its predictions as to whether or not the variant is damaging to the protein structure/function. We interpret N206T as a variant of uncertain significance.

Natera, Inc.
Classification: Uncertain significance for Usher syndrome type 1. Last evaluated: 2020-02-20. Review status: no assertion criteria provided. Collection method: clinical testing. Allele origin: germline. Not counted in ClinVar's aggregate classification.

NM_022124.6(CDH23):c.617A>C (p.Asn206Thr)

Gene: CDH23 (cadherin related 23; plus strand). Cytogenetic location: 10q22.1.
Variant type: single nucleotide variant.
Coding change: c.617A>C on transcript NM_022124.6 (MANE Select); coding-DNA position 617, A replaced by C.
Protein change: p.Asn206Thr; replaces asparagine 206 with threonine.
Molecular consequence: missense variant.
Genome position (GRCh38, 1-based): chr10:71,566,929, A>C. VCF-style: chr10-71566929-A-C. GRCh37 (hg19) VCF-style: chr10-73326686-A-C.
Other names: c.617A>C, p.Asn206Thr (NM_001171930.2, NM_001171931.2, NM_001171932.2 and 1 more transcripts); short protein forms N206T.
Identifiers: ClinVar variation 422135 (VCV000422135.9), dbSNP rs528880720, ClinGen allele CA5543487.